The following continues an entry in ClinVar:

NM_014251.3(SLC25A13):c.852_855del (p.Met285fs)

Gene: SLC25A13. ClinVar aggregate classification (germline): Pathogenic. Pathogenic (18).

Submissions 15 to 24 of 24:

Illumina Laboratory Services, Illumina
Classification: Pathogenic for Citrullinemia, type II, adult-onset. Last evaluated: 2017-04-27. Review status: criteria provided, single submitter. Criteria: ICSL Variant Classification Criteria 09 May 2019. Collection method: clinical testing. Allele origin: germline.
Comment: The SLC25A13 c.852_855delTATG (p.Met285ProfsTer2) variant, also referred to in the literature as c.851_854del and c.851del4, is a frameshift variant that leads to premature truncation of the protein, and is one of the most common pathogenic variants in Japanese persons with citrin deficiency. Across a selection of available literature, the p.Met285ProfsTer2 variant has been identified in a homozygous state in 30 patients, in a compound heterozygous state in 27 patients, and in a heterozygous state in two patients in whom a second variant was not identified (Kobayashi et al. 1999; Ohura et al. 2001; Tamamori et al. 2002; Song et al. 2011). The p.Met285ProfsTer2 variant was absent from 127 controls and is reported at a frequency of 0.01515 in the Kinh in Ho Chi Minh City, Vietnam population of the 1000 Genomes Project. Based on the collective evidence and the potential impact of frameshift variants, the p.Met285ProfsTer2 variant is classified as pathogenic for citrin deficiency. This variant was observed by ICSL as part of a predisposition screen in an ostensibly healthy population.

Soonchunhyang University Bucheon Hospital, Soonchunhyang University Medical Center
Classification: Pathogenic for Citrullinemia, type II, adult-onset. Last evaluated: 2016-03-18. Review status: criteria provided, single submitter. Criteria: ACMG Guidelines, 2015. Collection method: reference population. Allele origin: germline. Observed: 1 variant allele.

Baylor Genetics
Classification: Pathogenic for Neonatal intrahepatic cholestasis due to citrin deficiency. Review status: criteria provided, single submitter. Criteria: ACMG Guidelines, 2015. Collection method: clinical testing. Allele origin: germline.

Juno Genomics, Hangzhou Juno Genomics, Inc
Classification: Pathogenic for Citrullinemia, type II, adult-onset; Neonatal intrahepatic cholestasis due to citrin deficiency. Review status: criteria provided, single submitter. Criteria: ACMG Guidelines, 2015. Collection method: clinical testing. Allele origin: germline.
Comment: Null variant in a gene where loss of function (LOF) is a known mechanism of disease.;For recessive disorders, detected in trans with a pathogenic variant.

SingHealth Duke-NUS Institute of Precision Medicine
Classification: Pathogenic for Neonatal intrahepatic cholestasis due to citrin deficiency. Last evaluated: 2017-06-07. Review status: no assertion criteria provided. Collection method: curation. Allele origin: germline. Affected: no. Not counted in ClinVar's aggregate classification.

OMIM
Classification: Pathogenic for CITRIN DEFICIENCY, ADULT ONSET. Last evaluated: 2002-11-01. Review status: no assertion criteria provided. Collection method: literature only. Allele origin: germline. Not counted in ClinVar's aggregate classification.

OMIM
Classification: Pathogenic for CITRIN DEFICIENCY, NEONATAL ONSET. Last evaluated: 2002-11-01. Review status: no assertion criteria provided. Collection method: literature only. Allele origin: germline. Not counted in ClinVar's aggregate classification.

Dr. Peter K. Rogan Lab, Western University
No classification provided (evidence only). Condition: Malignant lymphoma, large B-cell, diffuse. Review status: no classification provided. Collection method: in vitro. Allele origin: not applicable. Functional consequence: retained intron. Not counted in ClinVar's aggregate classification.

GeneReviews
No classification provided. Condition: Citrullinemia, type II, adult-onset. Review status: no classification provided. Collection method: literature only. Allele origin: germline. Not counted in ClinVar's aggregate classification.

Neonatal Disease Screening Center, Medical Genetics Center, Huaihua City Maternal and Child Health Care Hospital
Classification: Pathogenic for Neonatal intrahepatic cholestasis due to citrin deficiency. Review status: no assertion criteria provided. Criteria: ACMG Guidelines, 2015. Collection method: clinical testing. Allele origin: germline. Affected: yes. Observed: 5 variant alleles. Not counted in ClinVar's aggregate classification.
Comment: PVS1+PM3_VS+PP1_M+PP4

Literature cited by the submitters: PubMed 10369257 (cited by 7 submitters); PubMed 14680984 (cited by Labcorp Genetics (formerly Invitae), Labcorp); PubMed 27405544 (cited by Labcorp Genetics (formerly Invitae), Labcorp); PubMed 12512993 (cited by Labcorp Genetics (formerly Invitae), Labcorp); PubMed 23022256 (cited by Labcorp Genetics (formerly Invitae), Labcorp and Eurofins Ntd Llc (ga)); PubMed 23067347 (cited by Labcorp Genetics (formerly Invitae), Labcorp); PubMed 26852511 (cited by Labcorp Genetics (formerly Invitae), Labcorp); PubMed 27347070 (cited by Labcorp Genetics (formerly Invitae), Labcorp); PubMed 27577219 (cited by Labcorp Genetics (formerly Invitae), Labcorp); PubMed 27578510 (cited by Labcorp Genetics (formerly Invitae), Labcorp); PubMed 30181955 (cited by Natera, Inc.); PubMed 36599957 (cited by Genesolutions, Medical Genetics Institutes, Ho Chi Minh City, Vietnam); PubMed 21424115 (cited by Women's Health and Genetics/Laboratory Corporation of America, LabCorp and Illumina Laboratory Services, Illumina); PubMed 12424587 (cited by Illumina Laboratory Services, Illumina and OMIM); PubMed 11281457 (cited by Illumina Laboratory Services, Illumina and OMIM); PubMed 17880783 (cited by Soonchunhyang University Bucheon Hospital, Soonchunhyang University Medical Center); PubMed 19470249 (cited by Soonchunhyang University Bucheon Hospital, Soonchunhyang University Medical Center); NCBI Bookshelf NBK1181 (cited by GeneReviews).